The following is an entry in ClinVar:

ClinVar aggregate classification (germline): Uncertain significance (1 of 4 stars; one submission).

Allele frequency attached by ClinVar (database versions not stated): gnomAD exomes below 0.00001 and 0.00002; gnomAD 0.00001; ExAC 0.00003; 1000 Genomes Project 30x 0.00016; 1000 Genomes Project 0.00020.
gnomAD v4.1: 4 of 1,614,186 alleles (0.00025%); highest among the groups gnomAD compares: East Asian, 0.0089%; no homozygotes.

Submission:

Labcorp Genetics (formerly Invitae), Labcorp
Classification: Uncertain significance. Last evaluated: 2022-07-11. Review status: criteria provided, single submitter. Criteria: Invitae Variant Classification Sherloc (09022015). Collection method: clinical testing. Allele origin: germline.
Comment: This sequence change replaces lysine, which is basic and polar, with glutamic acid, which is acidic and polar, at codon 1364 of the PCDH15 protein (p.Lys1364Glu). This variant is present in population databases (rs569275683, gnomAD 0.03%). This variant has not been reported in the literature in individuals affected with PCDH15-related conditions. ClinVar contains an entry for this variant (Variation ID: 1441735). Algorithms developed to predict the effect of missense changes on protein structure and function are either unavailable or do not agree on the potential impact of this missense change (SIFT: "Deleterious"; PolyPhen-2: "Probably Damaging"; Align-GVGD: "Class C0"). In summary, the available evidence is currently insufficient to determine the role of this variant in disease. Therefore, it has been classified as a Variant of Uncertain Significance.

NM_001384140.1(PCDH15):c.4090A>G (p.Lys1364Glu)

Gene: PCDH15 (protocadherin related 15; minus strand). Cytogenetic location: 10q21.1.
Variant type: single nucleotide variant.
Coding change: c.4090A>G on transcript NM_001384140.1 (MANE Select); coding-DNA position 4090, A replaced by G.
Protein change: p.Lys1364Glu; replaces lysine 1364 with glutamic acid.
Molecular consequence: missense variant.
Genome position (GRCh38, 1-based): chr10:53,831,427, T>C on the plus strand (A>G on the coding strand, the complement: PCDH15 is on the minus strand). VCF-style: chr10-53831427-T-C. GRCh37 (hg19) VCF-style: chr10-55591187-T-C.
Other names: c.4105A>G, p.Lys1369Glu (NM_001142763.2, NM_001142771.2); c.4090A>G, p.Lys1364Glu (NM_001142764.2, NM_001142766.2, NM_001142770.3 and 4 more transcripts); c.3877A>G, p.Lys1293Glu (NM_001142765.2); c.3979A>G, p.Lys1327Glu (NM_001142767.2); c.4024A>G, p.Lys1342Glu (NM_001142768.2, NM_001142773.2, NM_001354404.2); c.4126A>G, p.Lys1376Glu (NM_001142769.4); c.4111A>G, p.Lys1371Glu (NM_001354411.2); short protein forms K1371E, K1293E, K1369E, K1342E, K1364E, K1327E, K1376E.
Identifiers: ClinVar variation 1441735 (VCV001441735.5), dbSNP rs569275683, ClinGen allele CA5505470.